The following is an entry in ClinVar:

NM_000631.5(NCF4):c.705C>A (p.Asp235Glu)

Gene: NCF4 (neutrophil cytosolic factor 4; plus strand). Cytogenetic location: 22q12.3.
Variant type: single nucleotide variant.
Coding change: c.705C>A on transcript NM_000631.5 (MANE Select); coding-DNA position 705, C replaced by A.
Protein change: p.Asp235Glu; replaces aspartic acid 235 with glutamic acid.
Molecular consequence: missense variant.
Genome position (GRCh38, 1-based): chr22:36,875,730, C>A. VCF-style: chr22-36875730-C-A. GRCh37 (hg19) VCF-style: chr22-37271772-C-A.
Other names: c.705C>A, p.Asp235Glu (NM_013416.4); short protein forms D235E.
Identifiers: ClinVar variation 579895 (VCV000579895.9), dbSNP rs150656826, ClinGen allele CA411388821.

ClinVar aggregate classification (germline): Uncertain significance (1 of 4 stars; one submission).

Conditions:
Granulomatous disease, chronic, autosomal recessive, cytochrome b-positive, type 3. Also called: GRANULOMATOUS DISEASE, CHRONIC, AUTOSOMAL RECESSIVE, 3; CGD, AUTOSOMAL RECESSIVE CYTOCHROME b-POSITIVE, TYPE III; GRANULOMATOUS DISEASE, CHRONIC, DUE TO NCF4 DEFICIENCY; Granulomatous disease, chronic, autosomal recessive, cytochrome b-positive, type III. Identifiers: Orphanet 379, MedGen C3151409, MONDO:0013507, OMIM 613960.

Submission:

Labcorp Genetics (formerly Invitae), Labcorp
Classification: Uncertain significance for Granulomatous disease, chronic, autosomal recessive, cytochrome b-positive, type 3. Last evaluated: 2018-01-29. Review status: criteria provided, single submitter. Criteria: Invitae Variant Classification Sherloc (09022015). Collection method: clinical testing. Allele origin: germline.
Comment: This variant has not been reported in the literature in individuals with NCF4-related disease. In summary, the available evidence is currently insufficient to determine the role of this variant in disease. Therefore, it has been classified as a Variant of Uncertain Significance. Algorithms developed to predict the effect of missense changes on protein structure and function do not agree on the potential impact of this missense change (SIFT: "Tolerated"; PolyPhen-2: "Probably Damaging"; Align-GVGD: "Class C0"). This variant is not present in population databases (ExAC no frequency). This sequence change replaces aspartic acid with glutamic acid at codon 235 of the NCF4 protein (p.Asp235Glu). The aspartic acid residue is moderately conserved and there is a small physicochemical difference between aspartic acid and glutamic acid.